The following is an entry in ClinVar:

NM_004366.6(CLCN2):c.2200C>G (p.Pro734Ala)

Gene: CLCN2 (chloride voltage-gated channel 2; minus strand). Cytogenetic location: 3q27.1.
Variant type: single nucleotide variant.
Coding change: c.2200C>G on transcript NM_004366.6 (MANE Select); coding-DNA position 2200, C replaced by G.
Protein change: p.Pro734Ala; replaces proline 734 with alanine.
Molecular consequence: missense variant.
Genome position (GRCh38, 1-based): chr3:184,352,754, G>C on the plus strand (C>G on the coding strand, the complement: CLCN2 is on the minus strand). VCF-style: chr3-184352754-G-C. GRCh37 (hg19) VCF-style: chr3-184070542-G-C.
Other names: c.2149C>G, p.Pro717Ala (NM_001171087.3); c.2068C>G, p.Pro690Ala (NM_001171088.3); c.2200C>G, p.Pro734Ala (NM_001171089.3); short protein forms P690A, P734A, P717A.
Identifiers: ClinVar variation 4752208 (VCV004752208.1).

ClinVar aggregate classification (germline): Uncertain significance (1 of 4 stars; one submission).

gnomAD v4.1: 15 of 1,613,208 alleles (0.00093%); highest among the groups gnomAD compares: East Asian, 0.0089%; no homozygotes.

Submission:

Labcorp Genetics (formerly Invitae), Labcorp
Classification: Uncertain significance. Last evaluated: 2026-01-25. Review status: criteria provided, single submitter. Criteria: Invitae Variant Classification Sherloc (09022015). Collection method: clinical testing. Allele origin: germline.
Comment: This sequence change replaces proline, which is neutral and non-polar, with alanine, which is neutral and non-polar, at codon 734 of the CLCN2 protein (p.Pro734Ala). This variant is present in population databases (rs558074883, gnomAD 0.01%). This variant has not been reported in the literature in individuals affected with CLCN2-related conditions. Invitae Evidence Modeling of protein sequence and biophysical properties (such as structural, functional, and spatial information, amino acid conservation, physicochemical variation, residue mobility, and thermodynamic stability) indicates that this missense variant is not expected to disrupt CLCN2 protein function with a negative predictive value of 80%. In summary, the available evidence is currently insufficient to determine the role of this variant in disease. Therefore, it has been classified as a Variant of Uncertain Significance.